The following is an entry in ClinVar:

ClinVar aggregate classification (germline): Uncertain significance. Review status: criteria provided, multiple submitters, no conflicts (2 of 4 stars). 2 submissions from 2 submitters: Uncertain significance (2). Last evaluated 2022-10-17.

Submissions (2):

Blueprint Genetics
Classification: Uncertain significance. Last evaluated: 2022-10-17. Review status: criteria provided, single submitter. Criteria: ACMG Guidelines, 2015. Collection method: clinical testing. Allele origin: germline.

Labcorp Genetics (formerly Invitae), Labcorp
Classification: Uncertain significance. Last evaluated: 2022-08-10. Review status: criteria provided, single submitter. Criteria: Invitae Variant Classification Sherloc (09022015). Collection method: clinical testing. Allele origin: germline.
Comment: In summary, the available evidence is currently insufficient to determine the role of this variant in disease. Therefore, it has been classified as a Variant of Uncertain Significance. Algorithms developed to predict the effect of missense changes on protein structure and function (SIFT, PolyPhen-2, Align-GVGD) all suggest that this variant is likely to be disruptive. This variant has not been reported in the literature in individuals affected with IMPG1-related conditions. This variant is not present in population databases (gnomAD no frequency). This sequence change replaces leucine, which is neutral and non-polar, with arginine, which is basic and polar, at codon 670 of the IMPG1 protein (p.Leu670Arg).

NM_001563.4(IMPG1):c.2009T>G (p.Leu670Arg)

Gene: IMPG1 (interphotoreceptor matrix proteoglycan 1; minus strand). Cytogenetic location: 6q14.1.
Variant type: single nucleotide variant.
Coding change: c.2009T>G on transcript NM_001563.4 (MANE Select); coding-DNA position 2009, T replaced by G.
Protein change: p.Leu670Arg; replaces leucine 670 with arginine.
Molecular consequence: missense variant.
Genome position (GRCh38, 1-based): chr6:75,947,349, A>C on the plus strand (T>G on the coding strand, the complement: IMPG1 is on the minus strand). VCF-style: chr6-75947349-A-C. GRCh37 (hg19) VCF-style: chr6-76657066-A-C.
Other names: c.1775T>G, p.Leu592Arg (NM_001282368.2); short protein forms L592R, L670R.
Identifiers: ClinVar variation 1716020 (VCV001716020.6), dbSNP rs771309602, ClinGen allele CA364775033.